The following is an entry in ClinVar:

ClinVar aggregate classification (germline): Benign. Review status: criteria provided, multiple submitters, no conflicts (2 of 4 stars). 2 submissions from 2 submitters: Benign (2). Last evaluated 2025-11-08.

Conditions:
Acrocallosal syndrome (ACLS). Also called: HALLUX DUPLICATION, POSTAXIAL POLYDACTYLY, AND ABSENCE OF CORPUS CALLOSUM; Schinzel syndrome 1; Absence of corpus callosum with unusual facial appearance, mental deficiency, duplication of the halluces and polydactyly. Identifiers: Orphanet 36, MedGen C0796147, MONDO:0008708, OMIM 200990.

Allele frequency attached by ClinVar (database versions not stated): gnomAD below 0.00001 and 0.00041; TOPMed 0.00008; gnomAD exomes 0.00121; ExAC 0.00129; 1000 Genomes Project 30x 0.00203; 1000 Genomes Project 0.00240.

Submissions (2):

Labcorp Genetics (formerly Invitae), Labcorp
Classification: Benign for Acrocallosal syndrome. Last evaluated: 2025-11-08. Review status: criteria provided, single submitter. Criteria: Invitae Variant Classification Sherloc (09022015). Collection method: clinical testing. Allele origin: germline.

GeneDx
Classification: Benign. Last evaluated: 2017-03-30. Review status: criteria provided, single submitter. Criteria: GeneDx Variant Classification (06012015). Collection method: clinical testing. Allele origin: germline. Affected: yes.
Comment: This variant is considered likely benign or benign based on one or more of the following criteria: it is a conservative change, it occurs at a poorly conserved position in the protein, it is predicted to be benign by multiple in silico algorithms, and/or has population frequency not consistent with disease.

NM_198525.3(KIF7):c.1789-7C>T

Gene: KIF7 (kinesin family member 7; minus strand). Cytogenetic location: 15q26.1.
Variant type: single nucleotide variant.
Coding change: c.1789-7C>T on transcript NM_198525.3 (MANE Select); 7 bases into the intron before coding-DNA position 1789, C replaced by T.
Molecular consequence: intron variant.
Genome position (GRCh38, 1-based): chr15:89,646,033, G>A on the plus strand (C>T on the coding strand, the complement: KIF7 is on the minus strand). VCF-style: chr15-89646033-G-A. GRCh37 (hg19) VCF-style: chr15-90189264-G-A.
Identifiers: ClinVar variation 506641 (VCV000506641.12), dbSNP rs544015325, ClinGen allele CA7728443.